The following is an entry in ClinVar:

NM_001868.4(CPA1):c.923A>C (p.Tyr308Ser)

Gene: CPA1 (carboxypeptidase A1; plus strand). Cytogenetic location: 7q32.2.
Variant type: single nucleotide variant.
Coding change: c.923A>C on transcript NM_001868.4 (MANE Select); coding-DNA position 923, A replaced by C.
Protein change: p.Tyr308Ser; replaces tyrosine 308 with serine.
Molecular consequence: missense variant.
Genome position (GRCh38, 1-based): chr7:130,385,281, A>C. VCF-style: chr7-130385281-A-C. GRCh37 (hg19) VCF-style: chr7-130025122-A-C.
Other names: short protein forms Y308S.
Identifiers: ClinVar variation 2123260 (VCV002123260.4), dbSNP rs2536012279, ClinGen allele CA369283762.

ClinVar aggregate classification (germline): Uncertain significance (1 of 4 stars; one submission).

Submission:

Labcorp Genetics (formerly Invitae), Labcorp
Classification: Uncertain significance. Last evaluated: 2022-04-08. Review status: criteria provided, single submitter. Criteria: Invitae Variant Classification Sherloc (09022015). Collection method: clinical testing. Allele origin: germline.
Comment: This sequence change replaces tyrosine, which is neutral and polar, with serine, which is neutral and polar, at codon 308 of the CPA1 protein (p.Tyr308Ser). This variant is not present in population databases (gnomAD no frequency). This variant has not been reported in the literature in individuals affected with CPA1-related conditions. Algorithms developed to predict the effect of missense changes on protein structure and function (SIFT, PolyPhen-2, Align-GVGD) all suggest that this variant is likely to be disruptive. In summary, the available evidence is currently insufficient to determine the role of this variant in disease. Therefore, it has been classified as a Variant of Uncertain Significance.